The following is an entry in ClinVar:

ClinVar aggregate classification (germline): Likely pathogenic. Review status: criteria provided, multiple submitters, no conflicts (2 of 4 stars). 5 submissions from 5 submitters: Likely pathogenic (4). 1 of the submissions does not count toward it. Last evaluated 2025-01-10.

Conditions:
USH1C-related disorder. Also called: USH1C-related condition.
Autosomal recessive nonsyndromic hearing loss 18A. Also called: DEAFNESS, AUTOSOMAL RECESSIVE 18; Deafness, autosomal recessive 18A. Identifiers: Orphanet 90636, MedGen C1865870, MONDO:0011192, OMIM 602092.
Usher syndrome type 1C. Also called: USHER SYNDROME, TYPE I, ACADIAN VARIETY. Identifiers: Orphanet 231169, Orphanet 886, MedGen C1848604, MONDO:0010171, OMIM 276904.

Submissions (5):

Natera, Inc.
Classification: Likely pathogenic for Usher syndrome type 1C. Last evaluated: 2025-01-10. Review status: criteria provided, single submitter. Criteria: Natera Variant Classification Schema (03/2026). Collection method: clinical testing. Allele origin: germline.
Comment: The c.1590+1delG variant in USH1C is a canonical splice donor site variant predicted to affect pre-mRNA splicing, which may result in an abnormal transcript and altered protein product. This variant is expected to result in nonsense mediated decay, truncation, or a dysfunctional protein product. This variant is rare in the general population with a frequency below the threshold expected for the associated phenotype(s). Given the available evidence, this variant is classified as Likely Pathogenic.

Fulgent Genetics
Classification: Likely pathogenic for Usher syndrome type 1C; Autosomal recessive nonsyndromic hearing loss 18A. Last evaluated: 2024-06-19. Review status: criteria provided, single submitter. Criteria: ACMG Guidelines, 2015. Collection method: clinical testing. Allele origin: germline.

Baylor Genetics
Classification: Likely pathogenic for Autosomal recessive nonsyndromic hearing loss 18A. Last evaluated: 2023-04-30. Review status: criteria provided, single submitter. Criteria: ACMG Guidelines, 2015. Collection method: clinical testing. Allele origin: unknown.

Blueprint Genetics
Classification: Likely pathogenic for USH1C-related disorders. Last evaluated: 2022-04-19. Review status: criteria provided, single submitter. Criteria: ACMG Guidelines, 2015. Collection method: clinical testing. Allele origin: germline. Affected: yes. Observed: 2 variant alleles.

Counsyl
Classification: Uncertain significance for Usher syndrome type 1C; Autosomal recessive nonsyndromic hearing loss 18A. Last evaluated: 2017-11-07. Review status: no assertion criteria provided. Collection method: clinical testing. Allele origin: unknown. Not counted in ClinVar's aggregate classification.

NM_153676.4(USH1C):c.2490+1del

Gene: USH1C (USH1 protein network component harmonin; minus strand). Cytogenetic location: 11p15.1.
Variant type: Deletion.
Coding change: c.2490+1del on transcript NM_153676.4 (MANE Select); the canonical splice donor site of the intron after coding-DNA position 2490, one base deleted (G; older notation c.2490+1delG).
Molecular consequence: splice donor variant.
Genome position (GRCh38, 1-based): chr11:17,498,161, C deleted on the plus strand (G on the coding strand, the reverse complement: USH1C is on the minus strand); the first of 4 consecutive C bases (chr11:17,498,161-17,498,164); deleting any one gives the same sequence. VCF-style (leftmost placement, unchanged base first): chr11-17498160-AC-A. GRCh37 (hg19) VCF-style: chr11-17519707-AC-A.
Other names: c.1590+1delG (NM_005709.3); c.1533+1del (NM_001297764.2); c.1590+1del (NM_005709.4).
Identifiers: ClinVar variation 554676 (VCV000554676.6), dbSNP rs1366154374, ClinGen allele CA658822052.